The following is an entry in ClinVar:

NM_000553.6(WRN):c.3233+6T>C

Gene: WRN (WRN RecQ like helicase; plus strand). Cytogenetic location: 8p12.
Variant type: single nucleotide variant.
Coding change: c.3233+6T>C on transcript NM_000553.6 (MANE Select); 6 bases into the intron after coding-DNA position 3233, T replaced by C.
Molecular consequence: intron variant.
Genome position (GRCh38, 1-based): chr8:31,141,781, T>C. VCF-style: chr8-31141781-T-C. GRCh37 (hg19) VCF-style: chr8-30999297-T-C.
Identifiers: ClinVar variation 1018291 (VCV001018291.2), dbSNP rs1030398504, ClinGen allele CA174900301.

ClinVar aggregate classification (germline): Uncertain significance (1 of 4 stars; one submission).

Conditions:
Werner syndrome (WRN). Identifiers: Orphanet 902, MedGen C0043119, MONDO:0010196, OMIM 277700.

Allele frequency attached by ClinVar (database versions not stated): gnomAD 0.00001; gnomAD exomes 0.00001.
gnomAD v4.1: 15 of 1,611,402 alleles (0.00093%); highest among the groups gnomAD compares: African/African-American, 0.004%; no homozygotes.

Submission:

Labcorp Genetics (formerly Invitae), Labcorp
Classification: Uncertain significance for Werner syndrome. Last evaluated: 2022-03-08. Review status: criteria provided, single submitter. Criteria: Invitae Variant Classification Sherloc (09022015). Collection method: clinical testing. Allele origin: germline.
Comment: This sequence change falls in intron 26 of the WRN gene. It does not directly change the encoded amino acid sequence of the WRN protein. It affects a nucleotide within the consensus splice site. This variant is not present in population databases (gnomAD no frequency). This variant has not been reported in the literature in individuals affected with WRN-related conditions. ClinVar contains an entry for this variant (Variation ID: 1018291). Variants that disrupt the consensus splice site are a relatively common cause of aberrant splicing (PMID: 17576681, 9536098). Algorithms developed to predict the effect of sequence changes on RNA splicing suggest that this variant is not likely to affect RNA splicing. In summary, the available evidence is currently insufficient to determine the role of this variant in disease. Therefore, it has been classified as a Variant of Uncertain Significance.

Literature cited by the submitters: PubMed 17576681; PubMed 9536098.